The following is an entry in ClinVar:

ClinVar aggregate classification (germline): Uncertain significance (1 of 4 stars; one submission).

Conditions:
Epidermolysis bullosa simplex 3, localized or generalized intermediate, with BP230 deficiency (EBS3). Also called: Epidermolysis bullosa simplex due to BP230 deficiency; Epidermolysis bullosa simplex, autosomal recessive 2. Identifiers: Orphanet 412181, MedGen C3809470, MONDO:0014180, OMIM 615425.
Hereditary sensory and autonomic neuropathy type 6. Also called: HSAN VI; Neuropathy, hereditary sensory and autonomic, type VI. Identifiers: Orphanet 314381, MedGen C3539003, MONDO:0013839, OMIM 614653.

Allele frequency attached by ClinVar (database versions not stated): ExAC 0.00001; gnomAD 0.00001; gnomAD exomes 0.00001.
gnomAD v4.1: 15 of 1,613,810 alleles (0.00093%); highest among the groups gnomAD compares: South Asian, 0.016%; 1 homozygote.

Submission:

Labcorp Genetics (formerly Invitae), Labcorp
Classification: Uncertain significance for Epidermolysis bullosa simplex 3, localized or generalized intermediate, with BP230 deficiency; Hereditary sensory and autonomic neuropathy type 6. Last evaluated: 2022-07-18. Review status: criteria provided, single submitter. Criteria: Invitae Variant Classification Sherloc (09022015). Collection method: clinical testing. Allele origin: germline.
Comment: This variant has not been reported in the literature in individuals affected with DST-related conditions. In summary, the available evidence is currently insufficient to determine the role of this variant in disease. Therefore, it has been classified as a Variant of Uncertain Significance. Algorithms developed to predict the effect of missense changes on protein structure and function output the following: SIFT: "Tolerated"; PolyPhen-2: "Benign"; Align-GVGD: "Class C0". The valine amino acid residue is found in multiple mammalian species, which suggests that this missense change does not adversely affect protein function. ClinVar contains an entry for this variant (Variation ID: 1354978). This variant is present in population databases (rs754692637, gnomAD 0.01%). This sequence change replaces isoleucine, which is neutral and non-polar, with valine, which is neutral and non-polar, at codon 645 of the DST protein (p.Ile645Val).

NM_001374736.1(DST):c.3544A>G (p.Ile1182Val)

Gene: DST (dystonin; minus strand). Cytogenetic location: 6p12.1.
Variant type: single nucleotide variant.
Coding change: c.3544A>G on transcript NM_001374736.1 (MANE Select); coding-DNA position 3544, A replaced by G.
Protein change: p.Ile1182Val; replaces isoleucine 1182 with valine.
Molecular consequence: missense variant.
Genome position (GRCh38, 1-based): chr6:56,634,209, T>C on the plus strand (A>G on the coding strand, the complement: DST is on the minus strand). VCF-style: chr6-56634209-T-C. GRCh37 (hg19) VCF-style: chr6-56499007-T-C.
Other names: c.3445A>G, p.Ile1149Val (NM_001144769.5); c.3031A>G, p.Ile1011Val (NM_001144770.2); c.3544A>G, p.Ile1182Val (NM_001374722.1); c.2911A>G, p.Ile971Val (NM_001374729.1, NM_001374730.1, NM_001386100.1 and 1 more transcripts); c.3571A>G, p.Ile1191Val (NM_001374734.1); c.1933A>G, p.Ile645Val (NM_001723.7, NM_015548.5); short protein forms I1191V, I645V, I971V, I1011V, I1149V, I1182V.
Identifiers: ClinVar variation 1354978 (VCV001354978.6), dbSNP rs754692637, ClinGen allele CA3871135.